The following is an entry in ClinVar:

ClinVar aggregate classification (germline): Uncertain significance. Review status: criteria provided, multiple submitters, no conflicts (2 of 4 stars). 2 submissions from 2 submitters: Uncertain significance (2). Last evaluated 2025-08-25.

Conditions:
Inborn genetic diseases. Identifiers: MedGen C0950123, MeSH D030342.

Submissions (2):

Labcorp Genetics (formerly Invitae), Labcorp
Classification: Uncertain significance. Last evaluated: 2025-08-25. Review status: criteria provided, single submitter. Criteria: Invitae Variant Classification Sherloc (09022015). Collection method: clinical testing. Allele origin: germline.
Comment: This variant, c.4399_4401del, results in the deletion of 1 amino acid(s) of the PCLO protein (p.Glu1467del), but otherwise preserves the integrity of the reading frame. This variant is not present in population databases (gnomAD no frequency). This variant has not been reported in the literature in individuals affected with PCLO-related conditions. Experimental studies and prediction algorithms are not available or were not evaluated, and the functional significance of this variant is currently unknown. In summary, the available evidence is currently insufficient to determine the role of this variant in disease. Therefore, it has been classified as a Variant of Uncertain Significance.

Ambry Genetics
Classification: Uncertain significance for Inborn genetic diseases. Last evaluated: 2022-10-18. Review status: criteria provided, single submitter. Criteria: Ambry Variant Classification Scheme 2023. Collection method: clinical testing. Allele origin: germline.
Comment: The c.4399_4401delGAG (p.E1467del) alteration is located in exon 5 (coding exon 5) of the PCLO gene. This alteration consists of an in-frame deletion of 3 nucleotides between nucleotide positions c.4399 and c.4401, resulting in the deletion of <NA> residues. Based on insufficient or conflicting evidence, the clinical significance of this alteration remains unclear.

NM_033026.6(PCLO):c.4396GAG[1] (p.Glu1467del)

Gene: PCLO (piccolo presynaptic cytomatrix protein; minus strand). Cytogenetic location: 7q21.11.
Variant type: Microsatellite.
Coding change: c.4396GAG[1] on transcript NM_033026.6 (MANE Select); one copy of the 3-base unit GAG starting at c.4396; the reference has two copies in a row; one copy, 3 bases deleted.
Protein change: p.Glu1467del; deletes glutamic acid 1467.
Molecular consequence: inframe deletion.
Genome position (GRCh38, 1-based): chr7:82,956,552-82,956,554, CTC deleted on the plus strand (GAG on the coding strand, the reverse complement: PCLO is on the minus strand); deleting any 3 consecutive bases within chr7:82,956,552-82,956,557 gives the same sequence; the position shown is the placement nearest the transcript's 3' end. VCF-style (leftmost placement, unchanged base first): chr7-82956551-TCTC-T. GRCh37 (hg19) VCF-style: chr7-82585867-TCTC-T.
Other names: c.4399_4401delGAG (NM_033026.5); c.4396GAG[1], p.Glu1467del (NM_014510.3); short protein forms E1467del.
Identifiers: ClinVar variation 1391847 (VCV001391847.7), dbSNP rs1795527101, ClinGen allele CA913127872.